The following is an entry in ClinVar:

NM_014391.3(ANKRD1):c.651+6C>T

Gene: ANKRD1 (ankyrin repeat domain 1; minus strand). Cytogenetic location: 10q23.31.
Variant type: single nucleotide variant.
Coding change: c.651+6C>T on transcript NM_014391.3 (MANE Select); 6 bases into the intron after coding-DNA position 651, C replaced by T.
Molecular consequence: intron variant.
Genome position (GRCh38, 1-based): chr10:90,916,165, G>A on the plus strand (C>T on the coding strand, the complement: ANKRD1 is on the minus strand). VCF-style: chr10-90916165-G-A. GRCh37 (hg19) VCF-style: chr10-92675922-G-A.
Identifiers: ClinVar variation 477611 (VCV000477611.9), dbSNP rs762041559, ClinGen allele CA5598675.

ClinVar aggregate classification (germline): Uncertain significance. Review status: criteria provided, multiple submitters, no conflicts (2 of 4 stars). 2 submissions from 2 submitters: Uncertain significance (2). Last evaluated 2024-04-29.

Conditions:
ANKRD1-related dilated cardiomyopathy. Identifiers: MedGen CN119551.
Cardiomyopathy (CMYO). Also called: Cardiomyopathies. Identifiers: Orphanet 167848, MedGen C0878544, MONDO:0004994, HP:0001638. Inheritance: Various modes of inheritance.

Allele frequency attached by ClinVar (database versions not stated): gnomAD 0.00001; TOPMed 0.00002.

Submissions (2):

Labcorp Genetics (formerly Invitae), Labcorp
Classification: Uncertain significance for ANKRD1-related dilated cardiomyopathy. Last evaluated: 2024-04-29. Review status: criteria provided, single submitter. Criteria: Invitae Variant Classification Sherloc (09022015). Collection method: clinical testing. Allele origin: germline.
Comment: This sequence change falls in intron 6 of the ANKRD1 gene. It does not directly change the encoded amino acid sequence of the ANKRD1 protein. It affects a nucleotide within the consensus splice site. This variant is present in population databases (rs762041559, gnomAD 0.003%). This variant has not been reported in the literature in individuals affected with ANKRD1-related conditions. ClinVar contains an entry for this variant (Variation ID: 477611). Variants that disrupt the consensus splice site are a relatively common cause of aberrant splicing (PMID: 17576681, 9536098). Algorithms developed to predict the effect of sequence changes on RNA splicing suggest that this variant is not likely to affect RNA splicing. In summary, the available evidence is currently insufficient to determine the role of this variant in disease. Therefore, it has been classified as a Variant of Uncertain Significance.

CHEO Genetics Diagnostic Laboratory, Children's Hospital of Eastern Ontario
Classification: Uncertain significance for Cardiomyopathy. Last evaluated: 2017-07-27. Review status: criteria provided, single submitter. Criteria: ACMG Guidelines, 2015. Collection method: clinical testing. Allele origin: germline. Study: Canadian Open Genetics Repository.

Literature cited by the submitters: PubMed 17576681 (cited by Labcorp Genetics (formerly Invitae), Labcorp); PubMed 9536098 (cited by Labcorp Genetics (formerly Invitae), Labcorp).